The following is an entry in ClinVar:

NM_024422.6(DSC2):c.892C>A (p.His298Asn)

Gene: DSC2 (desmocollin 2; minus strand). Cytogenetic location: 18q12.1.
Variant type: single nucleotide variant.
Coding change: c.892C>A on transcript NM_024422.6 (MANE Select); coding-DNA position 892, C replaced by A.
Protein change: p.His298Asn; replaces histidine 298 with asparagine.
Molecular consequence: missense variant.
Genome position (GRCh38, 1-based): chr18:31,086,626, G>T on the plus strand (C>A on the coding strand, the complement: DSC2 is on the minus strand). VCF-style: chr18-31086626-G-T. GRCh37 (hg19) VCF-style: chr18-28666589-G-T.
Other names: c.463C>A, p.His155Asn (NM_001406506.1, NM_001406507.1); c.892C>A, p.His298Asn (NM_004949.5); short protein forms H155N, H298N.
Identifiers: ClinVar variation 3069672 (VCV003069672.3), dbSNP rs2510951191, ClinGen allele CA402111963.

ClinVar aggregate classification (germline): Uncertain significance. Review status: criteria provided, multiple submitters, no conflicts (2 of 4 stars). 2 submissions from 2 submitters: Uncertain significance (2). Last evaluated 2024-03-24.

Conditions:
Cardiomyopathy (CMYO). Also called: Cardiomyopathies. Identifiers: Orphanet 167848, MedGen C0878544, MONDO:0004994, HP:0001638. Inheritance: Various modes of inheritance.
Familial isolated arrhythmogenic right ventricular dysplasia. Identifiers: Orphanet 217656, MedGen C4274968, MONDO:0016342.

Submissions (2):

All of Us Research Program, National Institutes of Health
Classification: Uncertain significance for Familial isolated arrhythmogenic right ventricular dysplasia. Last evaluated: 2024-03-24. Review status: criteria provided, single submitter. Criteria: ACMG Guidelines, 2015. Collection method: clinical testing. Allele origin: germline. Inheritance: Autosomal dominant inheritance. Observed: 2 variant alleles, 2 heterozygotes.
Comment: This missense variant replaces histidine with asparagine at codon 298 of the DSC2 protein. Computational prediction suggests that this variant may not impact protein structure and function (internally defined REVEL score threshold <= 0.5, PMID: 27666373). To our knowledge, functional studies have not been reported for this variant. This variant has not been reported in individuals affected with DSC2-related disorders in the literature. This variant has not been identified in the general population by the Genome Aggregation Database (gnomAD). The available evidence is insufficient to determine the role of this variant in disease conclusively. Therefore, this variant is classified as a Variant of Uncertain Significance.

This study involves interpretation of variants in research participants for the purpose of population health screening. Participant phenotype was not available at the time of variant classification. Additional details can be found in publication PMID: 35346344, PMCID: PMC8962531

Color Diagnostics, LLC DBA Color Health
Classification: Uncertain significance for Cardiomyopathy. Last evaluated: 2023-12-06. Review status: criteria provided, single submitter. Criteria: ACMG Guidelines, 2015. Collection method: clinical testing. Allele origin: germline.
Comment: This missense variant replaces histidine with asparagine at codon 298 of the DSC2 protein. Computational prediction suggests that this variant may not impact protein structure and function (internally defined REVEL score threshold <= 0.5, PMID: 27666373). To our knowledge, functional studies have not been reported for this variant. This variant has not been reported in individuals affected with DSC2-related disorders in the literature. This variant has not been identified in the general population by the Genome Aggregation Database (gnomAD). The available evidence is insufficient to determine the role of this variant in disease conclusively. Therefore, this variant is classified as a Variant of Uncertain Significance.